The following is an entry in ClinVar:

NM_017868.4(TTC12):c.1191G>C (p.Ser397=)

Gene: TTC12 (tetratricopeptide repeat domain 12; plus strand). Cytogenetic location: 11q23.2.
Variant type: single nucleotide variant.
Coding change: c.1191G>C on transcript NM_017868.4 (MANE Select); coding-DNA position 1191, G replaced by C.
Protein change: p.Ser397=; no amino-acid change (serine 397 retained).
Molecular consequence: synonymous variant. On other transcripts: non-coding transcript variant (3).
Genome position (GRCh38, 1-based): chr11:113,350,109, G>C. VCF-style: chr11-113350109-G-C. GRCh37 (hg19) VCF-style: chr11-113220831-G-C.
Other names: NC_000011.9:g.113220831G>C; c.1209G>C, p.Ser403= (NM_001318533.2); c.1116G>C, p.Ser372= (NM_001352037.2); c.1194G>C, p.Ser398= (NM_001378063.1); c.1191G>C, p.Ser397= (NM_001378064.1, NM_001378065.1).
Identifiers: ClinVar variation 2642378 (VCV002642378.25), dbSNP rs201793229, ClinGen allele CA6280088.

ClinVar aggregate classification (germline): Likely benign (1 of 4 stars; one submission).

Allele frequency attached by ClinVar (database versions not stated): 1000 Genomes Project 30x 0.00094; 1000 Genomes Project 0.00120.
gnomAD v4.1: 189 of 1,613,906 alleles (0.012%); highest among the groups gnomAD compares: South Asian, 0.19%; no homozygotes.

Submissions (2):

CeGaT Center for Human Genetics Tuebingen
Classification: Likely benign. Last evaluated: 2026-07-01. Review status: criteria provided, single submitter. Criteria: CeGaT Center For Human Genetics Tuebingen Variant Classification Criteria Version 2. Collection method: clinical testing. Allele origin: germline. Affected: yes. Observed: 2 variant alleles.
Comment: TTC12: BP4, BP7

Dr. Peter K. Rogan Lab, Western University
No classification provided (evidence only). Condition: Thyroid cancer, nonmedullary, 1. Review status: no classification provided. Collection method: in vitro. Allele origin: not applicable. Functional consequence: retained intron. Not counted in ClinVar's aggregate classification.